The following is an entry in ClinVar:

NM_000452.3(SLC10A2):c.746G>T (p.Gly249Val)

Gene: SLC10A2 (solute carrier family 10 member 2; minus strand). Cytogenetic location: 13q33.1.
Variant type: single nucleotide variant.
Coding change: c.746G>T on transcript NM_000452.3 (MANE Select); coding-DNA position 746, G replaced by T.
Protein change: p.Gly249Val; replaces glycine 249 with valine.
Molecular consequence: missense variant.
Genome position (GRCh38, 1-based): chr13:103,051,272, C>A on the plus strand (G>T on the coding strand, the complement: SLC10A2 is on the minus strand). VCF-style: chr13-103051272-C-A. GRCh37 (hg19) VCF-style: chr13-103703622-C-A.
Other names: short protein forms G249V.
Identifiers: ClinVar variation 2074878 (VCV002074878.4), dbSNP rs770274337, ClinGen allele CA388606026.

ClinVar aggregate classification (germline): Uncertain significance (1 of 4 stars; one submission).

gnomAD v4.1: 1 of 1,613,948 alleles (0.000062%); highest among the groups gnomAD compares: Non-Finnish European, 0.000085%; no homozygotes.

Submission:

Labcorp Genetics (formerly Invitae), Labcorp
Classification: Uncertain significance. Last evaluated: 2022-05-16. Review status: criteria provided, single submitter. Criteria: Invitae Variant Classification Sherloc (09022015). Collection method: clinical testing. Allele origin: germline.
Comment: This sequence change replaces glycine, which is neutral and non-polar, with valine, which is neutral and non-polar, at codon 249 of the SLC10A2 protein (p.Gly249Val). This variant is not present in population databases (gnomAD no frequency). This variant has not been reported in the literature in individuals affected with SLC10A2-related conditions. Algorithms developed to predict the effect of missense changes on protein structure and function are either unavailable or do not agree on the potential impact of this missense change (SIFT: "Tolerated"; PolyPhen-2: "Possibly Damaging"; Align-GVGD: "Class C0"). In summary, the available evidence is currently insufficient to determine the role of this variant in disease. Therefore, it has been classified as a Variant of Uncertain Significance.